The following is an entry in ClinVar:

ClinVar aggregate classification (germline): Uncertain significance. Review status: criteria provided, multiple submitters, no conflicts (2 of 4 stars). 2 submissions from 2 submitters: Uncertain significance (2). Last evaluated 2025-07-21.

Conditions:
Vitiligo-associated multiple autoimmune disease susceptibility 1 (VAMAS1). Also called: SYSTEMIC LUPUS ERYTHEMATOSUS, VITILIGO-RELATED. Identifiers: Orphanet 247871, MedGen C1847835, MONDO:0011684, OMIM 606579.
Respiratory papillomatosis, juvenile recurrent, congenital. Identifiers: MedGen C5394112, MONDO:0032925, OMIM 618803.
Corneal intraepithelial dyskeratosis-palmoplantar hyperkeratosis-laryngeal dyskeratosis syndrome. Also called: Palmoplantar carcinoma, multiple self-healing. Identifiers: Orphanet 352662, MedGen C3808876, MONDO:0014089, OMIM 615225.
Autoinflammation with arthritis and dyskeratosis (AIADK). Identifiers: MedGen C4479278, MONDO:0060457, OMIM 617388.

Allele frequency attached by ClinVar (database versions not stated): TOPMed 0.00002; ExAC 0.00003; gnomAD 0.00004; gnomAD exomes 0.00004 and 0.00005.
gnomAD v4.1: 71 of 1,614,084 alleles (0.0044%); highest among the groups gnomAD compares: Non-Finnish European, 0.0056%; no homozygotes.

Submissions (2):

Labcorp Genetics (formerly Invitae), Labcorp
Classification: Uncertain significance. Last evaluated: 2025-07-21. Review status: criteria provided, single submitter. Criteria: Invitae Variant Classification Sherloc (09022015). Collection method: clinical testing. Allele origin: germline.
Comment: This sequence change replaces threonine, which is neutral and polar, with methionine, which is neutral and non-polar, at codon 1113 of the NLRP1 protein (p.Thr1113Met). This variant is present in population databases (rs761505501, gnomAD 0.02%). This variant has not been reported in the literature in individuals affected with NLRP1-related conditions. ClinVar contains an entry for this variant (Variation ID: 1441287). An algorithm developed to predict the effect of missense changes on protein structure and function outputs the following: PolyPhen-2: "Benign". The methionine amino acid residue is found in multiple mammalian species, which suggests that this missense change does not adversely affect protein function. In summary, the available evidence is currently insufficient to determine the role of this variant in disease. Therefore, it has been classified as a Variant of Uncertain Significance.

Fulgent Genetics
Classification: Uncertain significance for Vitiligo-associated multiple autoimmune disease susceptibility 1; Corneal intraepithelial dyskeratosis-palmoplantar hyperkeratosis-laryngeal dyskeratosis syndrome; Autoinflammation with arthritis and dyskeratosis; Respiratory papillomatosis, juvenile recurrent, congenital. Last evaluated: 2022-04-27. Review status: criteria provided, single submitter. Criteria: ACMG Guidelines, 2015. Collection method: clinical testing. Allele origin: unknown.

NM_033004.4(NLRP1):c.3338C>T (p.Thr1113Met)

Gene: NLRP1 (NLR family pyrin domain containing 1; minus strand). Cytogenetic location: 17p13.2.
Variant type: single nucleotide variant.
Coding change: c.3338C>T on transcript NM_033004.4 (MANE Select); coding-DNA position 3338, C replaced by T.
Protein change: p.Thr1113Met; replaces threonine 1113 with methionine.
Molecular consequence: missense variant.
Genome position (GRCh38, 1-based): chr17:5,530,663, G>A on the plus strand (C>T on the coding strand, the complement: NLRP1 is on the minus strand). VCF-style: chr17-5530663-G-A. GRCh37 (hg19) VCF-style: chr17-5433983-G-A.
Other names: c.3350C>T, p.Thr1117Met (NM_001033053.3); c.3338C>T, p.Thr1113Met (NM_014922.5); c.3248C>T, p.Thr1083Met (NM_033006.4, NM_033007.4); short protein forms T1083M, T1113M, T1117M.
Identifiers: ClinVar variation 1441287 (VCV001441287.9), dbSNP rs761505501, ClinGen allele CA8326850.
Genomic context (GRCh38, chr17:5,530,663, plus strand): 5'-TCCCACACACAGAATTCAATCTCAACGGTCACCGCTTCTCTCATCACAAAGCAGAGACCC[G>A]TGTTGGGCCAGCGGTAGGAGCCAGCTACAGGGAAGTGAACTCTGGGAAGAAGAGGGAGAG-3'
Protein context (NP_127497.1, residues 1103-1123): PVAGSYRWPN[Thr1113Met]GLCFVMREAV